The following is an entry in ClinVar:

ClinVar aggregate classification (germline): Conflicting classifications of pathogenicity. Review status: criteria provided, conflicting classifications (1 of 4 stars). 2 submissions from 2 submitters: Uncertain significance (1); Likely benign (1). Last evaluated 2026-06-04.

Conditions:
PLXNA1-related disorder. Also called: PLXNA1-related condition.

Allele frequency attached by ClinVar (database versions not stated): TOPMed 0.00008; gnomAD 0.00010; ExAC 0.00011; gnomAD exomes 0.00012; ESP Exome Variant Server 0.00015.
gnomAD v4.1: 190 of 1,610,502 alleles (0.012%); highest among the groups gnomAD compares: Middle Eastern, 0.017%; no homozygotes.

Submissions (2):

PreventionGenetics, part of Exact Sciences
Classification: Uncertain significance for PLXNA1-related condition. Last evaluated: 2026-06-04. Review status: criteria provided, single submitter. Criteria: ACMG Guidelines, 2015. Collection method: clinical testing. Allele origin: germline.
Comment: The PLXNA1 c.1328G>A variant is predicted to result in the amino acid substitution p.Arg443Gln. To our knowledge, this variant has not been reported in the literature. This variant is reported in 0.022% of alleles in individuals of European (Non-Finnish) descent in gnomAD. At this time, the clinical significance of this variant is uncertain due to the absence of conclusive functional and genetic evidence.

Ambry Genetics
Classification: Likely benign. Last evaluated: 2022-11-16. Review status: criteria provided, single submitter. Criteria: Ambry Variant Classification Scheme 2023. Collection method: clinical testing. Allele origin: germline.

NM_032242.4(PLXNA1):c.1328G>A (p.Arg443Gln)

Gene: PLXNA1 (plexin A1; plus strand). Cytogenetic location: 3q21.3.
Variant type: single nucleotide variant.
Coding change: c.1328G>A on transcript NM_032242.4 (MANE Select); coding-DNA position 1328, G replaced by A.
Protein change: p.Arg443Gln; replaces arginine 443 with glutamine.
Molecular consequence: missense variant.
Genome position (GRCh38, 1-based): chr3:126,991,517, G>A. VCF-style: chr3-126991517-G-A. GRCh37 (hg19) VCF-style: chr3-126710360-G-A.
Other names: short protein forms R443Q.
Identifiers: ClinVar variation 2634152 (VCV002634152.3), dbSNP rs370434411, ClinGen allele CA2593190.